The following is an entry in ClinVar:

ClinVar aggregate classification (germline): Uncertain significance (1 of 4 stars; one submission).

Allele frequency attached by ClinVar (database versions not stated): ExAC 0.00002; gnomAD exomes 0.00002; TOPMed 0.00004; gnomAD 0.00007; ESP Exome Variant Server 0.00008; 1000 Genomes Project 30x 0.00016.
gnomAD v4.1: 39 of 1,614,142 alleles (0.0024%); highest among the groups gnomAD compares: African/African-American, 0.019%; no homozygotes.

Submission:

Labcorp Genetics (formerly Invitae), Labcorp
Classification: Uncertain significance. Last evaluated: 2022-08-22. Review status: criteria provided, single submitter. Criteria: Invitae Variant Classification Sherloc (09022015). Collection method: clinical testing. Allele origin: germline.
Comment: This sequence change replaces proline, which is neutral and non-polar, with leucine, which is neutral and non-polar, at codon 1037 of the DNAH9 protein (p.Pro1037Leu). This variant is present in population databases (rs374958871, gnomAD 0.03%). This variant has not been reported in the literature in individuals affected with DNAH9-related conditions. Algorithms developed to predict the effect of missense changes on protein structure and function are either unavailable or do not agree on the potential impact of this missense change (SIFT: "Deleterious"; PolyPhen-2: "Benign"; Align-GVGD: "Class C0"). In summary, the available evidence is currently insufficient to determine the role of this variant in disease. Therefore, it has been classified as a Variant of Uncertain Significance.

NM_001372.4(DNAH9):c.3110C>T (p.Pro1037Leu)

Genes: DNAH9 (dynein axonemal heavy chain 9; plus strand), LOC126862505 (BRD4-independent group 4 enhancer GRCh37_chr17:11572478-11573677; plus strand). Cytogenetic location: 17p12.
Variant type: single nucleotide variant.
Coding change: c.3110C>T on transcript NM_001372.4 (MANE Select); coding-DNA position 3110, C replaced by T.
Protein change: p.Pro1037Leu; replaces proline 1037 with leucine.
Molecular consequence: missense variant.
Genome position (GRCh38, 1-based): chr17:11,669,551, C>T. VCF-style: chr17-11669551-C-T. GRCh37 (hg19) VCF-style: chr17-11572868-C-T.
Other names: short protein forms P1037L.
Identifiers: ClinVar variation 1909865 (VCV001909865.5), dbSNP rs374958871, ClinGen allele CA8395362.